The following is an entry in ClinVar:

NM_000551.4(VHL):c.576A>C (p.Pro192=)

Genes: VHL (von Hippel-Lindau tumor suppressor; plus strand), LOC107303340 (3p25 von Hippel-Lindau tumor suppressor, E3 ubiquitin protein ligase Alu-mediated recombination region; plus strand). Cytogenetic location: 3p25.3.
Variant type: single nucleotide variant.
Coding change: c.576A>C on transcript NM_000551.4 (MANE Select); coding-DNA position 576, A replaced by C.
Protein change: p.Pro192=; no amino-acid change (proline 192 retained).
Molecular consequence: synonymous variant. On other transcripts: 3 prime UTR variant (1).
Genome position (GRCh38, 1-based): chr3:10,149,899, A>C. VCF-style: chr3-10149899-A-C. GRCh37 (hg19) VCF-style: chr3-10191583-A-C.
Other names: c.*130A>C (NM_001354723.2); c.453A>C, p.Pro151= (NM_198156.3).
Identifiers: ClinVar variation 792771 (VCV000792771.13), dbSNP rs1372952726, ClinGen allele CA432423739.

ClinVar aggregate classification (germline): Benign/Likely benign. Review status: criteria provided, multiple submitters, no conflicts (2 of 4 stars). 5 submissions from 5 submitters: Benign (1); Likely benign (4). Last evaluated 2025-07-31.

Conditions:
Von Hippel-Lindau syndrome (VHLS). Also called: Von Hippel-Lindau; von Hippel–Lindau syndrome; VHL syndrome. Identifiers: Orphanet 892, MedGen C0019562, MONDO:0008667, OMIM 193300. Disease mechanism: loss of function.
Chuvash polycythemia. Also called: POLYCYTHEMIA, VHL-DEPENDENT. Identifiers: Orphanet 238557, MedGen C1837915, MONDO:0009892, OMIM 263400.
Hereditary cancer-predisposing syndrome. Also called: Neoplastic Syndromes, Hereditary; Hereditary neoplastic syndrome; Tumor predisposition; Hereditary Cancer Syndrome. Identifiers: Orphanet 140162, MedGen C0027672, MeSH D009386, MONDO:0015356.

Allele frequency attached by ClinVar (database versions not stated): gnomAD exomes below 0.00001.
gnomAD v4.1: 7 of 1,614,180 alleles (0.00043%); highest among the groups gnomAD compares: Middle Eastern, 0.016%; no homozygotes.

Submissions (5):

Labcorp Genetics (formerly Invitae), Labcorp
Classification: Likely benign for Von Hippel-Lindau syndrome; Chuvash polycythemia. Last evaluated: 2025-07-31. Review status: criteria provided, single submitter. Criteria: Invitae Variant Classification Sherloc (09022015). Collection method: clinical testing. Allele origin: germline.

Myriad Genetics, Inc.
Classification: Benign for Von Hippel-Lindau syndrome. Last evaluated: 2025-06-13. Review status: criteria provided, single submitter. Criteria: Myriad Autosomal Dominant, Autosomal Recessive and X-Linked Classification Criteria (2023). Collection method: clinical testing. Allele origin: unknown.
Comment: This variant is considered benign. This variant is a silent/synonymous amino acid change and it is not expected to impact splicing.

All of Us Research Program, National Institutes of Health
Classification: Likely benign for Von Hippel-Lindau syndrome. Last evaluated: 2024-03-24. Review status: criteria provided, single submitter. Criteria: ACMG Guidelines, 2015. Collection method: clinical testing. Allele origin: germline. Inheritance: Autosomal dominant inheritance. Observed: 1 variant allele, 1 heterozygote.
Comment: This study involves interpretation of variants in research participants for the purpose of population health screening. Participant phenotype was not available at the time of variant classification. Additional details can be found in publication PMID: 35346344, PMCID: PMC8962531

Color Diagnostics, LLC DBA Color Health
Classification: Likely benign for Von Hippel-Lindau syndrome. Last evaluated: 2024-03-19. Review status: criteria provided, single submitter. Criteria: ACMG Guidelines, 2015. Collection method: clinical testing. Allele origin: germline.

Ambry Genetics
Classification: Likely benign for Hereditary cancer-predisposing syndrome. Last evaluated: 2022-09-08. Review status: criteria provided, single submitter. Criteria: Ambry Variant Classification Scheme 2023. Collection method: clinical testing. Allele origin: germline.